The following is an entry in ClinVar:

NM_000138.5(FBN1):c.1961-1G>T

Gene: FBN1 (fibrillin 1; minus strand). Cytogenetic location: 15q21.1.
Variant type: single nucleotide variant.
Coding change: c.1961-1G>T on transcript NM_000138.5 (MANE Select); the canonical splice acceptor site of the intron before coding-DNA position 1961, G replaced by T.
Molecular consequence: splice acceptor variant.
Genome position (GRCh38, 1-based): chr15:48,503,940, C>A on the plus strand (G>T on the coding strand, the complement: FBN1 is on the minus strand). VCF-style: chr15-48503940-C-A. GRCh37 (hg19) VCF-style: chr15-48796137-C-A.
Other names: c.1961-1G>T (NM_001406716.1).
Identifiers: ClinVar variation 3757331 (VCV003757331.2).
Genomic context (GRCh38, chr15:48,503,940, plus strand): 5'-AAGGTTTGATACACTGGCCTCTCTTGTATCCACCATAGCATGTGCTCCGCATGTGTGTGT[C>A]TAAACAGGAAGAAGCATCTGTCATCACACTGTCACTTCAAACAGATGAGAACCCCCCAAG-3'

ClinVar aggregate classification (germline): Pathogenic (1 of 4 stars; one submission).

Conditions:
Marfan syndrome (MFS). Also called: MARFAN SYNDROME, TYPE I; Marfan syndrome type 1; Marfan's syndrome; Marfan syndrome, classic; FBN1-Related Marfan Syndrome. Identifiers: Orphanet 284963, Orphanet 558, MedGen C0024796, MONDO:0007947, OMIM 154700.
Familial thoracic aortic aneurysm and aortic dissection (TAAD). Also called: Thoracic aortic aneurysms and dissections. Identifiers: Orphanet 91387, MedGen C4707243, MONDO:0019625.

Submission:

Labcorp Genetics (formerly Invitae), Labcorp
Classification: Pathogenic for Marfan syndrome; Familial thoracic aortic aneurysm and aortic dissection. Last evaluated: 2024-07-21. Review status: criteria provided, single submitter. Criteria: Invitae Variant Classification Sherloc (09022015). Collection method: clinical testing. Allele origin: germline.
Comment: This sequence change affects an acceptor splice site in intron 16 of the FBN1 gene. It is expected to disrupt RNA splicing. Variants that disrupt the donor or acceptor splice site typically lead to a loss of protein function (PMID: 16199547), and loss-of-function variants in FBN1 are known to be pathogenic (PMID: 17657824, 19293843). This variant is not present in population databases (gnomAD no frequency). Disruption of this splice site has been observed in individuals with Marfan syndrome (Invitae). Algorithms developed to predict the effect of sequence changes on RNA splicing suggest that this variant may disrupt the consensus splice site. For these reasons, this variant has been classified as Pathogenic.

Literature cited by the submitters: PubMed 16199547; PubMed 17657824; PubMed 19293843.